The following is an entry in ClinVar:

NM_004260.4(RECQL4):c.2944A>C (p.Ser982Arg)

Gene: RECQL4 (RecQ like helicase 4; minus strand). Cytogenetic location: 8q24.3.
Variant type: single nucleotide variant.
Coding change: c.2944A>C on transcript NM_004260.4 (MANE Select); coding-DNA position 2944, A replaced by C.
Protein change: p.Ser982Arg; replaces serine 982 with arginine.
Molecular consequence: missense variant.
Genome position (GRCh38, 1-based): chr8:144,512,503, T>G on the plus strand (A>C on the coding strand, the complement: RECQL4 is on the minus strand). VCF-style: chr8-144512503-T-G. GRCh37 (hg19) VCF-style: chr8-145737886-T-G.
Other names: short protein forms S982R.
Identifiers: ClinVar variation 1431644 (VCV001431644.9), dbSNP rs2130663507, ClinGen allele CA372673271.
Genomic context (GRCh38, chr8:144,512,503, plus strand): 5'-AGGCCAGCTCCCAGCCCATGGAGTCCACCAGCTTGACCATGTCAAACTCCACGGAGCTGC[T>G]GCCTTGCCCTGGGTCCTCAGGCAGCTGCTGGGCCAAGCACACAGCCAAAGGGGGACACCT-3'
Protein context (NP_004251.4, residues 972-992): QQLPEDPGQG[Ser982Arg]SSVEFDMVKL

ClinVar aggregate classification (germline): Uncertain significance (1 of 4 stars; one submission).

Conditions:
Baller-Gerold syndrome (BGS). Also called: CRANIOSYNOSTOSIS WITH RADIAL DEFECTS. Identifiers: Orphanet 1225, MedGen C0265308, MONDO:0009039, OMIM 218600.

Submission:

Labcorp Genetics (formerly Invitae), Labcorp
Classification: Uncertain significance for Baller-Gerold syndrome. Last evaluated: 2022-05-22. Review status: criteria provided, single submitter. Criteria: Invitae Variant Classification Sherloc (09022015). Collection method: clinical testing. Allele origin: germline.
Comment: This variant has not been reported in the literature in individuals affected with RECQL4-related conditions. In summary, the available evidence is currently insufficient to determine the role of this variant in disease. Therefore, it has been classified as a Variant of Uncertain Significance. Experimental studies and prediction algorithms are not available or were not evaluated, and the functional significance of this variant is currently unknown. This variant is not present in population databases (gnomAD no frequency). This sequence change replaces serine, which is neutral and polar, with arginine, which is basic and polar, at codon 982 of the RECQL4 protein (p.Ser982Arg).